The following is an entry in ClinVar:

ClinVar aggregate classification (germline): Benign. Review status: criteria provided, multiple submitters, no conflicts (2 of 4 stars). 3 submissions from 3 submitters: Benign (2). 1 of the submissions does not count toward it. Last evaluated 2019-12-31.

Conditions:
MAP4-related disorder. Also called: MAP4-related condition.

Allele frequency attached by ClinVar (database versions not stated): gnomAD 0.00696 and 0.00729; ESP Exome Variant Server 0.00761; 1000 Genomes Project 30x 0.00515; ExAC 0.00726; gnomAD exomes 0.00735 and 0.00933; 1000 Genomes Project 0.00459; TOPMed 0.00824.
gnomAD v4.1: 14,688 of 1,614,070 alleles (0.91%); highest among the groups gnomAD compares: Admixed American, 1.2%; 108 homozygotes.

Submissions (3):

Labcorp Genetics (formerly Invitae), Labcorp
Classification: Benign. Last evaluated: 2019-12-31. Review status: criteria provided, single submitter. Criteria: Invitae Variant Classification Sherloc (09022015). Collection method: clinical testing. Allele origin: germline.

Breakthrough Genomics
Classification: Benign. Review status: criteria provided, single submitter. Criteria: ACMG Guidelines, 2015. Collection method: not provided. Allele origin: germline. Inheritance: Unknown mechanism. Affected: yes.

PreventionGenetics, part of Exact Sciences
Classification: Benign for MAP4-related condition. Last evaluated: 2019-06-12. Review status: no assertion criteria provided. Collection method: clinical testing. Allele origin: germline. Not counted in ClinVar's aggregate classification.
Comment: This variant is classified as benign based on ACMG/AMP sequence variant interpretation guidelines (Richards et al. 2015 PMID: 25741868, with internal and published modifications).

NM_001385682.1(MAP4):c.5850G>A (p.Gln1950=)

Gene: MAP4 (microtubule associated protein 4; minus strand). Cytogenetic location: 3p21.31.
Variant type: single nucleotide variant.
Coding change: c.5850G>A on transcript NM_001385682.1 (MANE Select); coding-DNA position 5850, G replaced by A.
Protein change: p.Gln1950=; no amino-acid change (glutamine 1950 retained).
Molecular consequence: synonymous variant.
Genome position (GRCh38, 1-based): chr3:47,872,008, C>T on the plus strand (G>A on the coding strand, the complement: MAP4 is on the minus strand). VCF-style: chr3-47872008-C-T. GRCh37 (hg19) VCF-style: chr3-47913498-C-T.
Other names: c.2415G>A, p.Gln805= (NM_001134364.2, NM_001384676.1, NM_001384677.1 and 20 more transcripts); c.2292G>A, p.Gln764= (NM_001384675.1, NM_001384681.1, NM_001384755.1 and 7 more transcripts); c.2451G>A, p.Gln817= (NM_001384678.1, NM_001384738.1, NM_001384748.1 and 3 more transcripts); c.2466G>A, p.Gln822= (NM_001384679.1, NM_001384731.1, NM_001384736.1 and 6 more transcripts); c.2109G>A, p.Gln703= (NM_001384680.1); c.2217G>A, p.Gln739= (NM_001384707.1, NM_001384759.1, NM_001384850.1); c.2346G>A, p.Gln782= (NM_001384730.1, NM_001384777.1, NM_001384782.1 and 6 more transcripts); c.2340G>A, p.Gln780= (NM_001384733.1, NM_001384737.1, NM_001384761.1 and 2 more transcripts); and 34 more.
Identifiers: ClinVar variation 781710 (VCV000781710.7), dbSNP rs34711403, ClinGen allele CA2370857.